The following is an entry in ClinVar:

ClinVar aggregate classification (germline): Uncertain significance. Review status: criteria provided, multiple submitters, no conflicts (2 of 4 stars). 2 submissions from 2 submitters: Uncertain significance (2). Last evaluated 2024-02-24.

Conditions:
SRCAP-related disorder. Also called: SRCAP-related condition.

Allele frequency attached by ClinVar (database versions not stated): ExAC 0.00001.

Submissions (2):

Labcorp Genetics (formerly Invitae), Labcorp
Classification: Uncertain significance. Last evaluated: 2024-02-24. Review status: criteria provided, single submitter. Criteria: Invitae Variant Classification Sherloc (09022015). Collection method: clinical testing. Allele origin: germline.
Comment: This sequence change replaces valine, which is neutral and non-polar, with methionine, which is neutral and non-polar, at codon 376 of the SRCAP protein (p.Val376Met). This variant is present in population databases (rs760104009, gnomAD 0.003%). This variant has not been reported in the literature in individuals affected with SRCAP-related conditions. ClinVar contains an entry for this variant (Variation ID: 2413299). Advanced modeling of protein sequence and biophysical properties (such as structural, functional, and spatial information, amino acid conservation, physicochemical variation, residue mobility, and thermodynamic stability) performed at Invitae indicates that this missense variant is not expected to disrupt SRCAP protein function with a negative predictive value of 80%. In summary, the available evidence is currently insufficient to determine the role of this variant in disease. Therefore, it has been classified as a Variant of Uncertain Significance.

PreventionGenetics, part of Exact Sciences
Classification: Uncertain significance for SRCAP-related condition. Last evaluated: 2023-01-12. Review status: criteria provided, single submitter. Criteria: ACMG Guidelines, 2015. Collection method: clinical testing. Allele origin: germline.
Comment: The SRCAP c.1126G>A variant is predicted to result in the amino acid substitution p.Val376Met. To our knowledge, this variant has not been reported in the literature. This variant is reported in 0.0029% of alleles in individuals of Latino descent in gnomAD. At this time, the clinical significance of this variant is uncertain due to the absence of conclusive functional and genetic evidence.

NM_006662.3(SRCAP):c.1126G>A (p.Val376Met)

Gene: SRCAP (Snf2 related CREBBP activator protein; plus strand). Cytogenetic location: 16p11.2.
Variant type: single nucleotide variant.
Coding change: c.1126G>A on transcript NM_006662.3 (MANE Select); coding-DNA position 1126, G replaced by A.
Protein change: p.Val376Met; replaces valine 376 with methionine.
Molecular consequence: missense variant.
Genome position (GRCh38, 1-based): chr16:30,710,120, G>A. VCF-style: chr16-30710120-G-A. GRCh37 (hg19) VCF-style: chr16-30721441-G-A.
Other names: c.1126G>A (NM_006662.2); short protein forms V376M.
Identifiers: ClinVar variation 2413299 (VCV002413299.7), dbSNP rs760104009, ClinGen allele CA8010825.